The following is an entry in ClinVar:

ClinVar aggregate classification (germline): Benign. Review status: criteria provided, multiple submitters, no conflicts (2 of 4 stars). 2 submissions from 2 submitters: Benign (2). Last evaluated 2018-06-14.

Allele frequency attached by ClinVar (database versions not stated): gnomAD 0.23243 and 0.23401; TOPMed 0.23582; 1000 Genomes Project 30x 0.23844; 1000 Genomes Project 0.24022; gnomAD exomes 0.25614.
gnomAD v4.1: 299,361 of 1,183,874 alleles (25%); highest among the groups gnomAD compares: Admixed American, 35%; 39,351 homozygotes.

Submissions (2):

GeneDx
Classification: Benign. Last evaluated: 2018-06-14. Review status: criteria provided, single submitter. Criteria: GeneDx Variant Classification (06012015). Collection method: clinical testing. Allele origin: germline. Affected: yes.
Comment: This variant is considered likely benign or benign based on one or more of the following criteria: it is a conservative change, it occurs at a poorly conserved position in the protein, it is predicted to be benign by multiple in silico algorithms, and/or has population frequency not consistent with disease.

Breakthrough Genomics
Classification: Benign. Review status: criteria provided, single submitter. Criteria: ACMG Guidelines, 2015. Collection method: not provided. Allele origin: germline. Inheritance: Autosomal dominant inheritance. Affected: yes.

NM_001040142.2(SCN2A):c.970+61T>A

Gene: SCN2A (sodium voltage-gated channel alpha subunit 2; plus strand). Cytogenetic location: 2q24.3.
Variant type: single nucleotide variant.
Coding change: c.970+61T>A on transcript NM_001040142.2 (MANE Select); 61 bases into the intron after coding-DNA position 970, T replaced by A.
Molecular consequence: intron variant.
Genome position (GRCh38, 1-based): chr2:165,310,656, T>A. VCF-style: chr2-165310656-T-A. GRCh37 (hg19) VCF-style: chr2-166167166-T-A.
Other names: c.970+61T>A (NM_001040143.2, NM_001371246.1, NM_001371247.1 and 1 more transcripts).
Identifiers: ClinVar variation 670788 (VCV000670788.2), dbSNP rs7560348, ClinGen allele CA59728846.